The following is an entry in ClinVar:

NM_001386140.1(MTTP):c.682A>T (p.Ile228Leu)

Gene: MTTP (microsomal triglyceride transfer protein; plus strand). Cytogenetic location: 4q23.
Variant type: single nucleotide variant.
Coding change: c.682A>T on transcript NM_001386140.1 (MANE Select); coding-DNA position 682, A replaced by T.
Protein change: p.Ile228Leu; replaces isoleucine 228 with leucine.
Molecular consequence: missense variant.
Genome position (GRCh38, 1-based): chr4:99,591,714, A>T. VCF-style: chr4-99591714-A-T. GRCh37 (hg19) VCF-style: chr4-100512871-A-T.
Other names: c.682A>T (NM_000253.2); c.682A>T, p.Ile228Leu (NM_000253.4); c.433A>T, p.Ile145Leu (NM_001300785.2); short protein forms I145L, I228L.
Identifiers: ClinVar variation 2191816 (VCV002191816.4), dbSNP rs1725426224, ClinGen allele CA357505201.

ClinVar aggregate classification (germline): Uncertain significance. Review status: criteria provided, multiple submitters, no conflicts (2 of 4 stars). 2 submissions from 2 submitters: Uncertain significance (2). Last evaluated 2025-08-24.

Conditions:
Inborn genetic diseases. Identifiers: MedGen C0950123, MeSH D030342.

Allele frequency attached by ClinVar (database versions not stated): TOPMed below 0.00001; gnomAD 0.00001; gnomAD exomes 0.00001.

Submissions (2):

Ambry Genetics
Classification: Uncertain significance for Inborn genetic diseases. Last evaluated: 2025-08-24. Review status: criteria provided, single submitter. Criteria: Ambry Variant Classification Scheme 2023. Collection method: clinical testing. Allele origin: germline.

Labcorp Genetics (formerly Invitae), Labcorp
Classification: Uncertain significance. Last evaluated: 2025-01-13. Review status: criteria provided, single submitter. Criteria: Invitae Variant Classification Sherloc (09022015). Collection method: clinical testing. Allele origin: germline.
Comment: This sequence change replaces isoleucine, which is neutral and non-polar, with leucine, which is neutral and non-polar, at codon 228 of the MTTP protein (p.Ile228Leu). This variant is not present in population databases (gnomAD no frequency). This variant has not been reported in the literature in individuals affected with MTTP-related conditions. ClinVar contains an entry for this variant (Variation ID: 2191816). Invitae Evidence Modeling of protein sequence and biophysical properties (such as structural, functional, and spatial information, amino acid conservation, physicochemical variation, residue mobility, and thermodynamic stability) indicates that this missense variant is not expected to disrupt MTTP protein function with a negative predictive value of 80%. In summary, the available evidence is currently insufficient to determine the role of this variant in disease. Therefore, it has been classified as a Variant of Uncertain Significance.